The following is an entry in ClinVar:

ClinVar aggregate classification (germline): Uncertain significance (1 of 4 stars; one submission).

Conditions:
Surfactant metabolism dysfunction, pulmonary, 4 (SMDP4). Also called: CSF2RA DEFICIENCY; PULMONARY ALVEOLAR PROTEINOSIS, CONGENITAL, 4; PAP DUE TO CSF2RA DEFICIENCY. Identifiers: Orphanet 264675, MedGen C2677877, MONDO:0010424, OMIM 300770.

Allele frequency attached by ClinVar (database versions not stated): gnomAD exomes below 0.00001; TOPMed below 0.00001; ExAC 0.00001.
gnomAD v4.1: 1 of 1,613,892 alleles (0.000062%); highest among the groups gnomAD compares: Non-Finnish European, 0.000085%; no homozygotes.

Submission:

Labcorp Genetics (formerly Invitae), Labcorp
Classification: Uncertain significance for Surfactant metabolism dysfunction, pulmonary, 4. Last evaluated: 2022-03-14. Review status: criteria provided, single submitter. Criteria: Invitae Variant Classification Sherloc (09022015). Collection method: clinical testing. Allele origin: germline.
Comment: In summary, the available evidence is currently insufficient to determine the role of this variant in disease. Therefore, it has been classified as a Variant of Uncertain Significance. Algorithms developed to predict the effect of missense changes on protein structure and function (SIFT, PolyPhen-2, Align-GVGD) all suggest that this variant is likely to be tolerated. This variant has not been reported in the literature in individuals affected with CSF2RA-related conditions. This variant is not present in population databases (gnomAD no frequency). This sequence change replaces glutamic acid, which is acidic and polar, with aspartic acid, which is acidic and polar, at codon 311 of the CSF2RA protein (p.Glu311Asp).

NM_172245.4(CSF2RA):c.933A>C (p.Glu311Asp)

Gene: CSF2RA (colony stimulating factor 2 receptor subunit alpha; plus strand). Cytogenetic location: Xp22.33.
Variant type: single nucleotide variant.
Coding change: c.933A>C on transcript NM_172245.4 (MANE Select); coding-DNA position 933, A replaced by C.
Protein change: p.Glu311Asp; replaces glutamic acid 311 with aspartic acid.
Molecular consequence: missense variant. On other transcripts: intron variant (2).
Genome position (GRCh38, 1-based): chrX:1,300,613, A>C. VCF-style: chrX-1300613-A-C. GRCh37 (hg19) VCF-style: chrX-1419506-A-C.
Other names: c.933A>C, p.Glu311Asp (NM_001161529.2, NM_001161530.2, NM_001161531.2 and 18 more transcripts); c.534A>C, p.Glu178Asp (NM_001161532.2); c.903A>C, p.Glu301Asp (NM_001379160.1); c.647-4833A>C (NM_172249.4); c.854+1548A>C (NM_001379166.1); short protein forms E311D, E301D, E178D.
Identifiers: ClinVar variation 2180397 (VCV002180397.4), dbSNP rs750933541, ClinGen allele CA10331063.
Genomic context (GRCh38, chrX:1,300,613, plus strand): 5'-ACACAGTGTGAAGATCAGAGCTGCAGACGTCCGCATCTTGAATTGGAGCTCCTGGAGTGA[A>C]GCCATTGAATTTGGTAAGCGTTGGGCGGAGGTAAGGGATGTTTGTGCCGTCTGCGGCCAC-3'
Protein context (NP_758448.1, residues 301-321): VRILNWSSWS[Glu311Asp]AIEFGSDDGN